The following is an entry in ClinVar:

NM_032444.4(SLX4):c.4617C>G (p.Pro1539=)

Gene: SLX4 (SLX4 structure-specific endonuclease subunit; minus strand). Cytogenetic location: 16p13.3.
Variant type: single nucleotide variant.
Coding change: c.4617C>G on transcript NM_032444.4 (MANE Select); coding-DNA position 4617, C replaced by G.
Protein change: p.Pro1539=; no amino-acid change (proline 1539 retained).
Molecular consequence: synonymous variant.
Genome position (GRCh38, 1-based): chr16:3,589,021, G>C on the plus strand (C>G on the coding strand, the complement: SLX4 is on the minus strand). VCF-style: chr16-3589021-G-C. GRCh37 (hg19) VCF-style: chr16-3639022-G-C.
Identifiers: ClinVar variation 2188713 (VCV002188713.28), dbSNP rs545723462, ClinGen allele CA7865582.

ClinVar aggregate classification (germline): Likely benign. Review status: criteria provided, multiple submitters, no conflicts (2 of 4 stars). 2 submissions from 2 submitters: Likely benign (2). Last evaluated 2022-11-01.

Conditions:
Fanconi anemia (FA). Also called: Fanconi's anemia. Identifiers: Orphanet 84, MedGen C0015625, MeSH D005199, MONDO:0019391.

gnomAD v4.1: 10 of 1,614,038 alleles (0.00062%); highest among the groups gnomAD compares: South Asian, 0.0011%; no homozygotes.

Submissions (2):

CeGaT Center for Human Genetics Tuebingen
Classification: Likely benign. Last evaluated: 2022-11-01. Review status: criteria provided, single submitter. Criteria: CeGaT Center For Human Genetics Tuebingen Variant Classification Criteria Version 2. Collection method: clinical testing. Allele origin: germline. Affected: yes. Observed: 1 variant allele.
Comment: SLX4: BP4, BP7

Labcorp Genetics (formerly Invitae), Labcorp
Classification: Likely benign for Fanconi anemia. Last evaluated: 2022-08-23. Review status: criteria provided, single submitter. Criteria: Invitae Variant Classification Sherloc (09022015). Collection method: clinical testing. Allele origin: germline.